The following is an entry in ClinVar:

ClinVar aggregate classification (germline): Pathogenic (1 of 4 stars; one submission).

Conditions:
Developmental and epileptic encephalopathy, 76. Also called: EPILEPTIC ENCEPHALOPATHY, EARLY INFANTILE, 76; DEVELOPMENTAL DELAY, EPILEPTIC ENCEPHALOPATHY, CEREBRAL ATROPHY, AND ABNORMAL MYELINATION. Identifiers: MedGen C5193113, MONDO:0032768, OMIM 618468.

Submission:

Victorian Clinical Genetics Services, Murdoch Childrens Research Institute
Classification: Pathogenic for Developmental and epileptic encephalopathy, 76. Last evaluated: 2024-09-23. Review status: criteria provided, single submitter. Criteria: ACMG Guidelines, 2015. Collection method: clinical testing. Allele origin: germline. Inheritance: Autosomal recessive inheritance. Affected: yes.
Comment: Based on the classification scheme VCGS_Germline_v1.3.4, this variant is classified as Pathogenic. Following criteria are met: 0102 - Loss of function is a known mechanism of disease in this gene and is associated with autosomal recessive developmental and epileptic encephalopathy 76 (MIM#618468). Gain of function is the suggested mechanism for autosomal dominant intellectual developmental disorder with severe speech and ambulation defects (MIM#618470) (PMID: 31031012). (I) 0108 - This gene is associated with both recessive and dominant disease. Only missense variants have been reported for the dominant condition (PMID: 31031012, OMIM). (I) 0201 - Variant is predicted to cause nonsense-mediated decay (NMD) and loss of protein (premature termination codon is located at least 54 nucleotides upstream of the final exon-exon junction). (SP) 0252 - This variant is homozygous. (I) 0301 - Variant is absent from gnomAD (both v2 and v3). (SP) 0701 - Other NMD-predicted variants comparable to the one identified in this case have very strong previous evidence for pathogenicity. Many NMD-predicted variants have previously been reported as pathogenic (DECIPHER). (SP) 0807 - This variant has no previous evidence of pathogenicity. (I) 0905 - No published segregation evidence has been identified for this variant. (I) 1007 - No published functional evidence has been identified for this variant. (I) Legend: (SP) - Supporting pathogenic, (I) - Information, (SB) - Supporting benign

Literature cited by the submitters: PubMed 31031012.

NM_016188.5(ACTL6B):c.604C>T (p.Gln202Ter)

Gene: ACTL6B (actin like 6B; minus strand). Cytogenetic location: 7q22.1.
Variant type: single nucleotide variant.
Coding change: c.604C>T on transcript NM_016188.5 (MANE Select); coding-DNA position 604, C replaced by T.
Protein change: p.Gln202Ter; replaces glutamine 202 with a stop codon.
Molecular consequence: nonsense. On other transcripts: non-coding transcript variant (1).
Genome position (GRCh38, 1-based): chr7:100,648,621, G>A on the plus strand (C>T on the coding strand, the complement: ACTL6B is on the minus strand). VCF-style: chr7-100648621-G-A. GRCh37 (hg19) VCF-style: chr7-100246244-G-A.
Other names: short protein forms Q202*.
Identifiers: ClinVar variation 3376821 (VCV003376821.1).
Genomic context (GRCh38, chr7:100,648,621, plus strand): 5'-CTGCGATCATGTAAGGTGGGATGATGTCAATGGCCATCTCCTGGAACAGCTCCCGGCACT[G>A]CATGGAGATGAAGTCCCCTGCCAGAGGGGACTTGACGATGCCTAGAAGGAAGGCACTGTC-3'